The following is an entry in ClinVar:

ClinVar aggregate classification (germline): Likely pathogenic (1 of 4 stars; one submission).

Conditions:
Muscular dystrophy-dystroglycanopathy (congenital with impaired intellectual development), type B, 2. Also called: MUSCULAR DYSTROPHY, CONGENITAL, POMT2-RELATED; Muscular dystrophy-dystroglycanopathy (congenital with intellectual disability), type B2. Identifiers: MedGen C3150416, MONDO:0013160, OMIM 613156.
Muscular dystrophy-dystroglycanopathy (congenital with brain and eye anomalies), type A2. Also called: MUSCULAR DYSTROPHY-DYSTROGLYCANOPATHY (CONGENITAL WITH BRAIN AND EYE ANOMALIES), TYPE A, 2; WALKER-WARBURG SYNDROME OR MUSCLE-EYE-BRAIN DISEASE, POMT2-RELATED. Identifiers: Orphanet 588, Orphanet 899, MedGen C3150411, MONDO:0013154, OMIM 613150.
Autosomal recessive limb-girdle muscular dystrophy type 2N. Also called: MUSCULAR DYSTROPHY-DYSTROGLYCANOPATHY, LIMB-GIRDLE, POMT2-RELATED; Muscular dystrophy-dystroglycanopathy (limb-girdle), type C, 2. Identifiers: Orphanet 206559, MedGen C3150418, MONDO:0013162, OMIM 613158.

Submission:

Labcorp Genetics (formerly Invitae), Labcorp
Classification: Likely pathogenic for Muscular dystrophy-dystroglycanopathy (congenital with impaired intellectual development), type B, 2; Muscular dystrophy-dystroglycanopathy (congenital with brain and eye anomalies), type A2; Autosomal recessive limb-girdle muscular dystrophy type 2N. Last evaluated: 2023-08-24. Review status: criteria provided, single submitter. Criteria: Invitae Variant Classification Sherloc (09022015). Collection method: clinical testing. Allele origin: germline.
Comment: ClinVar contains an entry for this variant (Variation ID: 1982448). This variant has not been reported in the literature in individuals affected with POMT2-related conditions. This variant is not present in population databases (gnomAD no frequency). This sequence change affects a donor splice site in intron 5 of the POMT2 gene. It is expected to disrupt RNA splicing. Variants that disrupt the donor or acceptor splice site typically lead to a loss of protein function (PMID: 16199547), and loss-of-function variants in POMT2 are known to be pathogenic (PMID: 15894594). Algorithms developed to predict the effect of sequence changes on RNA splicing suggest that this variant may disrupt the consensus splice site. In summary, the currently available evidence indicates that the variant is pathogenic, but additional data are needed to prove that conclusively. Therefore, this variant has been classified as Likely Pathogenic.

Literature cited by the submitters: PubMed 16199547; PubMed 15894594.

NM_013382.7(POMT2):c.656+1G>A

Gene: POMT2 (protein O-mannosyltransferase 2; minus strand). Cytogenetic location: 14q24.3.
Variant type: single nucleotide variant.
Coding change: c.656+1G>A on transcript NM_013382.7 (MANE Select); the canonical splice donor site of the intron after coding-DNA position 656, G replaced by A.
Molecular consequence: splice donor variant.
Genome position (GRCh38, 1-based): chr14:77,302,834, C>T on the plus strand (G>A on the coding strand, the complement: POMT2 is on the minus strand). VCF-style: chr14-77302834-C-T. GRCh37 (hg19) VCF-style: chr14-77769177-C-T.
Identifiers: ClinVar variation 1982448 (VCV001982448.4), dbSNP rs2503285522, ClinGen allele CA390520419.